The following is an entry in ClinVar:

ClinVar aggregate classification (germline): Uncertain significance (1 of 4 stars; one submission).

Conditions:
Inborn genetic diseases. Identifiers: MedGen C0950123, MeSH D030342.

Submission:

Ambry Genetics
Classification: Uncertain significance for Inborn genetic diseases. Last evaluated: 2025-01-27. Review status: criteria provided, single submitter. Criteria: Ambry Variant Classification Scheme 2023. Collection method: clinical testing. Allele origin: germline.
Comment: The p.K230N variant (also known as c.690G>T), located in coding exon 3 of the MBD4 gene, results from a G to T substitution at nucleotide position 690. The lysine at codon 230 is replaced by asparagine, an amino acid with similar properties. This amino acid position is conserved. In addition, the in silico prediction for this alteration is inconclusive. Based on the available evidence, the clinical significance of this variant remains unclear.

NM_001276270.2(MBD4):c.690G>T (p.Lys230Asn)

Gene: MBD4 (methyl-CpG binding domain 4, DNA glycosylase; minus strand). Cytogenetic location: 3q21.3.
Variant type: single nucleotide variant.
Coding change: c.690G>T on transcript NM_001276270.2 (MANE Select); coding-DNA position 690, G replaced by T.
Protein change: p.Lys230Asn; replaces lysine 230 with asparagine.
Molecular consequence: missense variant. On other transcripts: intron variant (1).
Genome position (GRCh38, 1-based): chr3:129,436,954, C>A on the plus strand (G>T on the coding strand, the complement: MBD4 is on the minus strand). VCF-style: chr3-129436954-C-A. GRCh37 (hg19) VCF-style: chr3-129155797-C-A.
Other names: c.690G>T, p.Lys230Asn (NM_001276271.2, NM_001276272.2, NM_003925.3); c.247+854G>T (NM_001276273.2); short protein forms K230N.
Identifiers: ClinVar variation 3870916 (VCV003870916.1).